The following is an entry in ClinVar:

NM_005751.5(AKAP9):c.5284A>G (p.Lys1762Glu)

Gene: AKAP9 (A-kinase anchoring protein 9; plus strand). Cytogenetic location: 7q21.2.
Variant type: single nucleotide variant.
Coding change: c.5284A>G on transcript NM_005751.5 (MANE Select); coding-DNA position 5284, A replaced by G.
Protein change: p.Lys1762Glu; replaces lysine 1762 with glutamic acid.
Molecular consequence: missense variant.
Genome position (GRCh38, 1-based): chr7:92,045,129, A>G. VCF-style: chr7-92045129-A-G. GRCh37 (hg19) VCF-style: chr7-91674443-A-G.
Other names: c.5284A>G, p.Lys1762Glu (NM_147185.3); short protein forms K1762E.
Identifiers: ClinVar variation 417029 (VCV000417029.23), dbSNP rs568626378, ClinGen allele CA4336763.

ClinVar aggregate classification (germline): Conflicting classifications of pathogenicity. Review status: criteria provided, conflicting classifications (1 of 4 stars). 5 submissions from 5 submitters: Uncertain significance (1); Likely benign (3). 1 of the submissions does not count toward it. Last evaluated 2026-02-01.

Conditions:
AKAP9-related disorder. Also called: AKAP9-related condition.
Cardiovascular phenotype. Identifiers: MedGen CN230736.
Long QT syndrome (LQTS). Identifiers: MedGen C0023976, MeSH D008133, MONDO:0002442. Disease mechanism: loss of function. Inheritance: Various modes of inheritance.

Allele frequency attached by ClinVar (database versions not stated): gnomAD exomes 0.00006 and 0.00030; gnomAD 0.00007 and 0.00008; TOPMed 0.00013; 1000 Genomes Project 30x 0.00016; 1000 Genomes Project 0.00020; ExAC 0.00023.
gnomAD v4.1: 102 of 1,613,874 alleles (0.0063%); highest among the groups gnomAD compares: Admixed American, 0.16%; no homozygotes.

Submissions (5):

Labcorp Genetics (formerly Invitae), Labcorp
Classification: Likely benign for Long QT syndrome. Last evaluated: 2026-02-01. Review status: criteria provided, single submitter. Criteria: Invitae Variant Classification Sherloc (09022015). Collection method: clinical testing. Allele origin: germline.

Ambry Genetics
Classification: Likely benign for Cardiovascular phenotype. Last evaluated: 2021-12-07. Review status: criteria provided, single submitter. Criteria: Ambry Variant Classification Scheme 2023. Collection method: clinical testing. Allele origin: germline.

Women's Health and Genetics/Laboratory Corporation of America, LabCorp
Classification: Likely benign. Last evaluated: 2020-12-21. Review status: criteria provided, single submitter. Criteria: LabCorp Variant Classification Summary - May 2015. Collection method: clinical testing. Allele origin: germline.
Comment: Variant summary: AKAP9 c.5284A>G (p.Lys1762Glu) results in a conservative amino acid change in the encoded protein sequence. Three of five in-silico tools predict a damaging effect of the variant on protein function. The variant allele was found at a frequency of 0.0003 in 251188 control chromosomes, predominantly at a frequency of 0.0021 within the Latino subpopulation in the gnomAD database. The observed variant frequency within Latino control individuals in the gnomAD database is approximately 630 fold of the estimated maximal expected allele frequency for a pathogenic variant in AKAP9 causing Long QT Syndrome phenotype (3.3e-06), strongly suggesting that the variant is a benign polymorphism found primarily in populations of Latino origin. c.5284A>G has been reported in the literature (Marquez_2015, Zhang_2015). These reports however, do not provide unequivocal conclusions about association of the variant with Long QT Syndrome. Co-occurrence with another pathogenic variant has been reported (SCN5A c.4931G>A, p.Arg1644His), providing supporting evidence for a benign role (Marquez_2015). To our knowledge, no experimental evidence demonstrating an impact on protein function has been reported. Two ClinVar submitters (evaluation after 2014) cite the variant as likely benign or uncertain significance. Based on the evidence outlined above, the variant was classified as likely benign.

ARUP Laboratories, Molecular Genetics and Genomics, ARUP Laboratories
Classification: Uncertain significance. Last evaluated: 2016-09-14. Review status: criteria provided, single submitter. Criteria: ARUP Molecular Germline Variant Investigation Process. Collection method: clinical testing. Allele origin: germline.

PreventionGenetics, part of Exact Sciences
Classification: Likely benign for AKAP9-related condition. Last evaluated: 2022-01-27. Review status: no assertion criteria provided. Collection method: clinical testing. Allele origin: germline. Not counted in ClinVar's aggregate classification.
Comment: This variant is classified as likely benign based on ACMG/AMP sequence variant interpretation guidelines (Richards et al. 2015 PMID: 25741868, with internal and published modifications).

Literature cited by the submitters: PubMed 25661095 (cited by Women's Health and Genetics/Laboratory Corporation of America, LabCorp); PubMed 26580448 (cited by Women's Health and Genetics/Laboratory Corporation of America, LabCorp).